The following is an entry in ClinVar:

ClinVar aggregate classification (germline): Pathogenic/Likely pathogenic. Review status: criteria provided, multiple submitters, no conflicts (2 of 4 stars). 4 submissions from 4 submitters: Pathogenic (3); Likely pathogenic (1). Last evaluated 2025-10-17.

Conditions:
Hereditary cancer-predisposing syndrome. Also called: Hereditary Cancer Syndrome; Hereditary neoplastic syndrome; Neoplastic Syndromes, Hereditary; Tumor predisposition. Identifiers: Orphanet 140162, MedGen C0027672, MeSH D009386, MONDO:0015356.
Cardiovascular phenotype. Identifiers: MedGen CN230736.
Schwannomatosis. Identifiers: Orphanet 93921, MedGen C1335929, MeSH C536641, MONDO:0008075.
LZTR1-related schwannomatosis. Also called: Schwannomatosis 2; Schwannomatosis-2, susceptibility to. Identifiers: Orphanet 93921, MedGen C3810283, MONDO:0014299, OMIM 615670.

Submissions (4):

Ambry Genetics
Classification: Pathogenic for Cardiovascular phenotype; Hereditary cancer-predisposing syndrome. Last evaluated: 2025-10-17. Review status: criteria provided, single submitter. Criteria: Ambry Variant Classification Scheme 2023. Collection method: clinical testing. Allele origin: germline.
Comment: The c.352delC (p.R118Vfs*29) alteration, located in exon 4 (coding exon 4) of the LZTR1 gene, consists of a deletion of one nucleotide at position 352, causing a translational frameshift with a predicted alternate stop codon after 29 amino acids. This alteration is expected to result in loss of function by premature protein truncation or nonsense-mediated mRNA decay. Loss-of-function variants in LZTR1 are related to an increased risk for schwannomas and autosomal recessive Noonan syndrome; however, such associations with autosomal dominant Noonan syndrome have not been observed (Piotrowski, 2014; Yamamoto, 2015; Johnston, 2018). Based on the supporting evidence, this variant is pathogenic for an increased risk of LZTR1-related schwannomatosis (SWN) and would be expected to cause autosomal recessive Noonan syndrome when present along with a second pathogenic or likely pathogenic variant on the other allele; however, the association of this alteration with autosomal dominant Noonan syndrome is unlikely. This variant was not reported in population-based cohorts in the Genome Aggregation Database (gnomAD). Based on the available evidence, this alteration is classified as pathogenic.

Labcorp Genetics (formerly Invitae), Labcorp
Classification: Pathogenic. Last evaluated: 2025-09-07. Review status: criteria provided, single submitter. Criteria: Invitae Variant Classification Sherloc (09022015). Collection method: clinical testing. Allele origin: germline.
Comment: This sequence change creates a premature translational stop signal (p.Arg118Valfs*29) in the LZTR1 gene. It is expected to result in an absent or disrupted protein product. Loss-of-function variants in LZTR1 are known to be pathogenic (PMID: 24362817, 25335493, 25480913, 25795793, 29469822, 30368668, 30442762, 30442766, 30481304, 30859559). This variant is not present in population databases (gnomAD no frequency). This variant has not been reported in the literature in individuals affected with LZTR1-related conditions. ClinVar contains an entry for this variant (Variation ID: 1433138). For these reasons, this variant has been classified as Pathogenic.

Women's Health and Genetics/Laboratory Corporation of America, LabCorp
Classification: Pathogenic for Schwannomatosis. Last evaluated: 2024-07-18. Review status: criteria provided, single submitter. Criteria: LabCorp Variant Classification Summary - May 2015. Collection method: clinical testing. Allele origin: germline.
Comment: Variant summary: LZTR1 c.352delC (p.Arg118ValfsX29) results in a premature termination codon, predicted to cause a truncation of the encoded protein or absence of the protein due to nonsense mediated decay, which are commonly known mechanisms for disease. The variant was absent in 250814 control chromosomes. To our knowledge, no occurrence of c.352delC in individuals affected with LZTR1-related conditions and no experimental evidence demonstrating its impact on protein function have been reported. ClinVar contains an entry for this variant (Variation ID: 1433138). Germline loss of function mutations in LZTR1 have been reported to predispose to an inherited disorder of multiple schwannomas (Piotrowski_2014) and recessive Noonan syndrome (Johnston_2018). Based on the evidence outlined above, the variant was classified as pathogenic for the risk of multiple schwannomas and recessive Noonan syndrome.

Baylor Genetics
Classification: Likely pathogenic for LZTR1-related schwannomatosis. Last evaluated: 2022-12-26. Review status: criteria provided, single submitter. Criteria: ACMG Guidelines, 2015. Collection method: clinical testing. Allele origin: unknown.

Literature cited by the submitters: PubMed 24362817 (cited by Labcorp Genetics (formerly Invitae), Labcorp); PubMed 25335493 (cited by Labcorp Genetics (formerly Invitae), Labcorp); PubMed 25480913 (cited by Labcorp Genetics (formerly Invitae), Labcorp); PubMed 25795793 (cited by Labcorp Genetics (formerly Invitae), Labcorp); PubMed 29469822 (cited by Labcorp Genetics (formerly Invitae), Labcorp); PubMed 30368668 (cited by Labcorp Genetics (formerly Invitae), Labcorp); PubMed 30442762 (cited by Labcorp Genetics (formerly Invitae), Labcorp); PubMed 30442766 (cited by Labcorp Genetics (formerly Invitae), Labcorp); PubMed 30481304 (cited by Labcorp Genetics (formerly Invitae), Labcorp); PubMed 30859559 (cited by Labcorp Genetics (formerly Invitae), Labcorp).

NM_006767.4(LZTR1):c.352del (p.Arg118fs)

Gene: LZTR1 (leucine zipper like post translational regulator 1; plus strand). Cytogenetic location: 22q11.21.
Variant type: Deletion.
Coding change: c.352del on transcript NM_006767.4 (MANE Select); coding-DNA position 352, one base deleted (C; older notation c.352delC).
Protein change: p.Arg118fs; shifts the reading frame from arginine 118.
Molecular consequence: frameshift variant.
Genome position (GRCh38, 1-based): chr22:20,987,535, C deleted; the last of 6 consecutive C bases (chr22:20,987,530-20,987,535); deleting any one gives the same sequence. VCF-style (leftmost placement, unchanged base first): chr22-20987529-GC-G. GRCh37 (hg19) VCF-style: chr22-21341818-GC-G.
Other names: c.352delC (NM_006767.4); short protein forms R118fs.
Identifiers: ClinVar variation 1433138 (VCV001433138.12), dbSNP rs1486960809, ClinGen allele CA2396638510.
Genomic context (GRCh38, chr22:20,987,529, plus strand): 5'-CCCGCTGACTCTCACCACCCCTGTGCCCACCCCAGGGCCTTTACCACTGGGACCCCACCG[GC>G]CCCCCGTTACCACCACTCGGCCGTCGTCTATGGGAGCAGCATGTTTGTCTTTGGTAAGCA-3'